The following is an entry in ClinVar:

ClinVar aggregate classification (germline): Uncertain significance (1 of 4 stars; one submission).

Conditions:
Cardiovascular phenotype. Identifiers: MedGen CN230736.

Submission:

Ambry Genetics
Classification: Uncertain significance for Cardiovascular phenotype. Last evaluated: 2025-08-30. Review status: criteria provided, single submitter. Criteria: Ambry Variant Classification Scheme 2023. Collection method: clinical testing. Allele origin: germline.
Comment: The p.E315A variant (also known as c.944A>C), located in coding exon 1 of the ZNF469 gene, results from an A to C substitution at nucleotide position 944. The glutamic acid at codon 315 is replaced by alanine, an amino acid with dissimilar properties. This amino acid position is conserved. In addition, this alteration is predicted to be tolerated by in silico analysis. Based on the available evidence, the clinical significance of this variant remains unclear.

NM_001127464.1:c.944A>C

Gene: ZNF469 (zinc finger protein 469; plus strand).
Variant type: single nucleotide variant.
Identifiers: ClinVar variation 4209233 (VCV004209233.1).